The following is an entry in ClinVar:

NM_001358530.2(MOCS1):c.1338_1341dup (p.His448fs)

Gene: MOCS1 (molybdenum cofactor synthesis 1; minus strand). Cytogenetic location: 6p21.2.
Variant type: Microsatellite.
Coding change: c.1338_1341dup on transcript NM_001358530.2 (MANE Select); coding-DNA positions 1338 to 1341, 4 bases duplicated (GAGA; older notation c.1338_1341dupGAGA).
Protein change: p.His448fs; shifts the reading frame from histidine 448.
Molecular consequence: frameshift variant. On other transcripts: 3 prime UTR variant (4), non-coding transcript variant (1).
Genome position (GRCh38, 1-based): chr6:39,906,927-39,906,930, TCTC duplicated on the plus strand (GAGA on the coding strand, the reverse complement: MOCS1 is on the minus strand); duplicating any 4 consecutive bases within chr6:39,906,927-39,906,931 gives the same sequence; the c. name uses the placement nearest the transcript's 3' end. VCF-style (leftmost placement, unchanged base first): chr6-39906926-G-GTCTC. GRCh37 (hg19) VCF-style: chr6-39874702-G-GTCTC.
Other names: c.*195GA[4] (NM_001075098.4, NM_001358533.2, NM_001358534.2 and 1 more transcripts); c.1290_1293dup, p.His432fs (NM_001358529.2); c.1077_1080dup, p.His361fs (NM_001358531.2); short protein forms H432fs, H361fs, H448fs.
Identifiers: ClinVar variation 2760273 (VCV002760273.3), dbSNP rs2482258774, ClinGen allele CA2697553356.

ClinVar aggregate classification (germline): Pathogenic (1 of 4 stars; one submission).

Conditions:
Sulfite oxidase deficiency due to molybdenum cofactor deficiency type A. Also called: Molybdenum cofactor deficiency, complementation group A; Molybdenum Cofactor Deficiency A. Identifiers: Orphanet 308386, Orphanet 833, MedGen C1854988, MONDO:0009643, OMIM 252150.

Submission:

Labcorp Genetics (formerly Invitae), Labcorp
Classification: Pathogenic for Sulfite oxidase deficiency due to molybdenum cofactor deficiency type A. Last evaluated: 2023-09-23. Review status: criteria provided, single submitter. Criteria: Invitae Variant Classification Sherloc (09022015). Collection method: clinical testing. Allele origin: germline.
Comment: This sequence change creates a premature translational stop signal (p.His448Glufs*17) in the MOCS1 gene. While this is not anticipated to result in nonsense mediated decay, it is expected to disrupt the last 189 amino acid(s) of the MOCS1 protein. This variant is not present in population databases (gnomAD no frequency). This variant has not been reported in the literature in individuals affected with MOCS1-related conditions. This variant disrupts a region of the MOCS1 protein in which other variant(s) (p.Glu503Alafs*103) have been determined to be pathogenic (PMID: 9731530, 9921896). This suggests that this is a clinically significant region of the protein, and that variants that disrupt it are likely to be disease-causing. For these reasons, this variant has been classified as Pathogenic.

Literature cited by the submitters: PubMed 9731530; PubMed 9921896.